The following is an entry in ClinVar:

NM_000179.3(MSH6):c.3424del (p.Thr1142fs)

Gene: MSH6 (mutS homolog 6; plus strand). Cytogenetic location: 2p16.3.
Variant type: Deletion.
Coding change: c.3424del on transcript NM_000179.3 (MANE Select); coding-DNA position 3424, one base deleted (A; older notation c.3424delA).
Protein change: p.Thr1142fs; shifts the reading frame from threonine 1142.
Molecular consequence: frameshift variant.
Genome position (GRCh38, 1-based): chr2:47,803,671, A deleted. VCF-style (leftmost placement, unchanged base first): chr2-47803670-TA-T. GRCh37 (hg19) VCF-style: chr2-48030809-TA-T.
Other names: c.3034del, p.Thr1012fs (NM_001281492.2); c.2518del, p.Thr840fs (NM_001281493.2, NM_001281494.2); short protein forms T1012fs, T1142fs, T840fs.
Identifiers: ClinVar variation 1069248 (VCV001069248.8), dbSNP rs2104486214, ClinGen allele CA2499216124.
Genomic context (GRCh38, chr2:47,803,670, plus strand): 5'-GCAGGAAAATGGCAAAGCCTATTGTGTGCTTGTTACTGGACCAAATATGGGGGGCAAGTC[TA>T]CGCTTATGAGACAGGTAACTGATTCTTAAAGTTTTGTTATCAGAAAGTCATTTGTGACAT-3'

ClinVar aggregate classification (germline): Pathogenic. Review status: criteria provided, multiple submitters, no conflicts (2 of 4 stars). 2 submissions from 2 submitters: Pathogenic (2). Last evaluated 2024-12-26.

Conditions:
Hereditary nonpolyposis colorectal neoplasms. Identifiers: MedGen C0009405, MeSH D003123.
Lynch syndrome 5 (LYNCH5). Also called: Colorectal cancer, hereditary nonpolyposis, type 5; Hereditary non-polyposis colorectal cancer, type 5. Identifiers: Orphanet 144, MedGen C1833477, MONDO:0013710, OMIM 614350. Disease mechanism: loss of function.

Submissions (2):

Myriad Genetics, Inc.
Classification: Pathogenic for Lynch syndrome 5. Last evaluated: 2024-12-26. Review status: criteria provided, single submitter. Criteria: Myriad Autosomal Dominant, Autosomal Recessive and X-Linked Classification Criteria (2023). Collection method: clinical testing. Allele origin: unknown.
Comment: This variant is considered pathogenic. This variant creates a frameshift predicted to result in premature protein truncation.

Labcorp Genetics (formerly Invitae), Labcorp
Classification: Pathogenic for Hereditary nonpolyposis colorectal neoplasms. Last evaluated: 2023-12-24. Review status: criteria provided, single submitter. Criteria: Invitae Variant Classification Sherloc (09022015). Collection method: clinical testing. Allele origin: germline.
Comment: This sequence change creates a premature translational stop signal (p.Thr1142Argfs*3) in the MSH6 gene. It is expected to result in an absent or disrupted protein product. Loss-of-function variants in MSH6 are known to be pathogenic (PMID: 18269114, 24362816). This variant is not present in population databases (gnomAD no frequency). This variant has not been reported in the literature in individuals affected with MSH6-related conditions. ClinVar contains an entry for this variant (Variation ID: 1069248). For these reasons, this variant has been classified as Pathogenic.

Literature cited by the submitters: PubMed 18269114 (cited by Labcorp Genetics (formerly Invitae), Labcorp); PubMed 24362816 (cited by Labcorp Genetics (formerly Invitae), Labcorp).